The following is an entry in ClinVar:

ClinVar aggregate classification (germline): Uncertain significance (1 of 4 stars; one submission).

Conditions:
Desmin-related myofibrillar myopathy (MFM1). Also called: Myofibrillar myopathy 1; Desminopathy; Desmin related myopathy (former name); Desmin storage myopathy (former name); MYOFIBRILLAR MYOPATHY WITH ARRHYTHMOGENIC RIGHT VENTRICULAR CARDIOMYOPATHY; DESMIN-RELATED MYOPATHY WITH ARRHYTHMOGENIC RIGHT VENTRICULAR CARDIOMYOPATHY. Identifiers: Orphanet 363543, Orphanet 98909, MedGen C1832370, MONDO:0011076, OMIM 601419.

Submission:

Labcorp Genetics (formerly Invitae), Labcorp
Classification: Uncertain significance for Desmin-related myofibrillar myopathy. Last evaluated: 2022-08-15. Review status: criteria provided, single submitter. Criteria: Invitae Variant Classification Sherloc (09022015). Collection method: clinical testing. Allele origin: germline.
Comment: Algorithms developed to predict the effect of missense changes on protein structure and function are either unavailable or do not agree on the potential impact of this missense change (SIFT: "Deleterious"; PolyPhen-2: "Benign"; Align-GVGD: "Class C0"). In summary, the available evidence is currently insufficient to determine the role of this variant in disease. Therefore, it has been classified as a Variant of Uncertain Significance. This sequence change replaces leucine, which is neutral and non-polar, with arginine, which is basic and polar, at codon 254 of the DES protein (p.Leu254Arg). This variant is not present in population databases (gnomAD no frequency). This variant has not been reported in the literature in individuals affected with DES-related conditions. ClinVar contains an entry for this variant (Variation ID: 568698).

NM_001927.4(DES):c.761T>G (p.Leu254Arg)

Gene: DES (desmin; plus strand). Cytogenetic location: 2q35.
Variant type: single nucleotide variant.
Coding change: c.761T>G on transcript NM_001927.4 (MANE Select); coding-DNA position 761, T replaced by G.
Protein change: p.Leu254Arg; replaces leucine 254 with arginine.
Molecular consequence: missense variant.
Genome position (GRCh38, 1-based): chr2:219,420,520, T>G. VCF-style: chr2-219420520-T-G. GRCh37 (hg19) VCF-style: chr2-220285242-T-G.
Other names: c.761T>G (LRG_380t1); short protein forms L254R.
Identifiers: ClinVar variation 568698 (VCV000568698.9), dbSNP rs1559352926, ClinGen allele CA350690869.
Genomic context (GRCh38, chr2:219,420,520, plus strand): 5'-CTGAGAGGGGACTGAAGCCCAGTCATGCCCTACAGGAGATCCGTGAGTTGCAGGCTCAGC[T>G]TCAGGAACAGCAGGTCCAGGTGGAGATGGACATGTCTAAGCCAGACCTCACTGCCGCCCT-3'
Protein context (NP_001918.3, residues 244-264): EEEIRELQAQ[Leu254Arg]QEQQVQVEMD